The following is an entry in ClinVar:

ClinVar aggregate classification (germline): Uncertain significance (1 of 4 stars; one submission).

Allele frequency attached by ClinVar (database versions not stated): gnomAD exomes below 0.00001.
gnomAD v4.1: 1 of 1,599,350 alleles (0.000063%); highest among the groups gnomAD compares: Admixed American, 0.0017%; no homozygotes.

Submission:

Labcorp Genetics (formerly Invitae), Labcorp
Classification: Uncertain significance. Last evaluated: 2021-08-20. Review status: criteria provided, single submitter. Criteria: Invitae Variant Classification Sherloc (09022015). Collection method: clinical testing. Allele origin: germline.
Comment: This sequence change replaces glutamic acid with lysine at codon 493 of the CERKL protein (p.Glu493Lys). The glutamic acid residue is weakly conserved and there is a small physicochemical difference between glutamic acid and lysine. This variant is not present in population databases (ExAC no frequency). This variant has not been reported in the literature in individuals affected with CERKL-related conditions. Algorithms developed to predict the effect of missense changes on protein structure and function output the following: SIFT: "Tolerated"; PolyPhen-2: "Benign"; Align-GVGD: "Class C0". The lysine amino acid residue is found in multiple mammalian species, which suggests that this missense change does not adversely affect protein function. In summary, the available evidence is currently insufficient to determine the role of this variant in disease. Therefore, it has been classified as a Variant of Uncertain Significance.

NM_201548.5(CERKL):c.1399G>A (p.Glu467Lys)

Gene: CERKL (ceramide kinase like; minus strand). Cytogenetic location: 2q31.3.
Variant type: single nucleotide variant.
Coding change: c.1399G>A on transcript NM_201548.5 (MANE Select); coding-DNA position 1399, G replaced by A.
Protein change: p.Glu467Lys; replaces glutamic acid 467 with lysine.
Molecular consequence: missense variant. On other transcripts: non-coding transcript variant (2).
Genome position (GRCh38, 1-based): chr2:181,539,231, C>T on the plus strand (G>A on the coding strand, the complement: CERKL is on the minus strand). VCF-style: chr2-181539231-C-T. GRCh37 (hg19) VCF-style: chr2-182403958-C-T.
Other names: c.1477G>A, p.Glu493Lys (NM_001030311.3); c.1060G>A, p.Glu354Lys (NM_001030312.3); c.1192G>A, p.Glu398Lys (NM_001030313.3); c.1345G>A, p.Glu449Lys (NM_001160277.2); short protein forms E467K, E354K, E449K, E398K, E493K.
Identifiers: ClinVar variation 839086 (VCV000839086.7), dbSNP rs1205755482, ClinGen allele CA349733428.
Genomic context (GRCh38, chr2:181,539,231, plus strand): 5'-CCTCCTCCTCCTCTGGATTATATCCACCAGTATTATTCCTTGGATGAACTTTTACTTCCT[C>T]AACAGTGTAAGTCTCAACAAATGGAAAATTGAACTAAAAATAAATACAAATAATCATTAT-3'
Protein context (NP_963842.1, residues 457-477): NFPFVETYTV[Glu467Lys]EVKVHPRNNT